The following is an entry in ClinVar:

ClinVar aggregate classification (germline): Likely benign (1 of 4 stars; one submission).

Allele frequency attached by ClinVar (database versions not stated): ExAC 0.00006; gnomAD 0.00007; TOPMed 0.00011; ESP Exome Variant Server 0.00016.
gnomAD v4.1: 135 of 1,612,296 alleles (0.0084%); highest among the groups gnomAD compares: Middle Eastern, 0.017%; 1 homozygote.

Submission:

CeGaT Center for Human Genetics Tuebingen
Classification: Likely benign. Last evaluated: 2026-03-01. Review status: criteria provided, single submitter. Criteria: CeGaT Center For Human Genetics Tuebingen Variant Classification Criteria Version 2. Collection method: clinical testing. Allele origin: germline. Affected: yes. Observed: 2 variant alleles.
Comment: KLC3: BP4, BP7

NM_177417.3(KLC3):c.1362G>A (p.Ala454=)

Genes: ERCC2 (ERCC excision repair 2, TFIIH core complex helicase subunit; minus strand), KLC3 (kinesin light chain 3; plus strand). Cytogenetic location: 19q13.32.
Variant type: single nucleotide variant.
Coding change: c.1362G>A on transcript NM_177417.3 (MANE Select); coding-DNA position 1362, G replaced by A.
Protein change: p.Ala454=; no amino-acid change (alanine 454 retained).
Molecular consequence: synonymous variant. On other transcripts: 3 prime UTR variant (1).
Genome position (GRCh38, 1-based): chr19:45,350,730, G>A. VCF-style: chr19-45350730-G-A. GRCh37 (hg19) VCF-style: chr19-45853988-G-A.
Other names: c.*899C>T (NM_000400.4).
Identifiers: ClinVar variation 3250794 (VCV003250794.18), dbSNP rs370566239.
Genomic context (GRCh38, chr19:45,350,730, plus strand): 5'-GATCCGTGAGTCTATCAGGCGAGGAAGTGAGAAGCTGGTCTCCCGGCTCCGAGGCGAGGC[G>A]GCGGCAGGAGCAGCCGGGTGAGTGTTGATCAGGTCGGCAAAGAGCCCTGACATCAGCAGA-3'
Protein context (NP_803136.2, residues 444-464): EKLVSRLRGE[Ala454=]AAGAAGMKRA